The following is an entry in ClinVar:

ClinVar aggregate classification (germline): Benign (0 of 4 stars; one submission).

Conditions:
SMG9-related disorder. Also called: SMG9-related condition.

Allele frequency attached by ClinVar (database versions not stated): 1000 Genomes Project 0.02137; TOPMed 0.02347; ESP Exome Variant Server 0.02357; 1000 Genomes Project 30x 0.02483.
gnomAD v4.1: 7,095 of 1,563,548 alleles (0.45%); highest among the groups gnomAD compares: African/African-American, 7.3%; 211 homozygotes.

Submission:

PreventionGenetics, part of Exact Sciences
Classification: Benign for SMG9-related condition. Last evaluated: 2019-11-11. Review status: no assertion criteria provided. Collection method: clinical testing. Allele origin: germline.
Comment: This variant is classified as benign based on ACMG/AMP sequence variant interpretation guidelines (Richards et al. 2015 PMID: 25741868, with internal and published modifications).

NM_019108.4(SMG9):c.1047C>T (p.His349=)

Gene: SMG9 (SMG9 nonsense mediated mRNA decay factor; minus strand). Cytogenetic location: 19q13.31.
Variant type: single nucleotide variant.
Coding change: c.1047C>T on transcript NM_019108.4 (MANE Select); coding-DNA position 1047, C replaced by T.
Protein change: p.His349=; no amino-acid change (histidine 349 retained).
Molecular consequence: synonymous variant.
Genome position (GRCh38, 1-based): chr19:43,734,444, G>A on the plus strand (C>T on the coding strand, the complement: SMG9 is on the minus strand). VCF-style: chr19-43734444-G-A. GRCh37 (hg19) VCF-style: chr19-44238596-G-A.
Identifiers: ClinVar variation 3039221 (VCV003039221.2), dbSNP rs28483837, ClinGen allele CA9491283.